The following is an entry in ClinVar:

NM_182916.3(TRNT1):c.982A>G (p.Lys328Glu)

Gene: TRNT1 (tRNA nucleotidyl transferase 1; plus strand). Cytogenetic location: 3p26.2.
Variant type: single nucleotide variant.
Coding change: c.982A>G on transcript NM_182916.3 (MANE Select); coding-DNA position 982, A replaced by G.
Protein change: p.Lys328Glu; replaces lysine 328 with glutamic acid.
Molecular consequence: missense variant. On other transcripts: non-coding transcript variant (8).
Genome position (GRCh38, 1-based): chr3:3,147,629, A>G. VCF-style: chr3-3147629-A-G. GRCh37 (hg19) VCF-style: chr3-3189313-A-G.
Other names: c.922A>G, p.Lys308Glu (NM_001302946.2); c.982A>G, p.Lys328Glu (NM_001367321.1, NM_001367322.1, NM_001367323.1); c.982A>G (NM_182916.2); short protein forms K308E, K328E.
Identifiers: ClinVar variation 1505287 (VCV001505287.5), dbSNP rs747469885, ClinGen allele CA2228837.

ClinVar aggregate classification (germline): Conflicting classifications of pathogenicity. Review status: criteria provided, conflicting classifications (1 of 4 stars). 2 submissions from 2 submitters: Uncertain significance (1); Likely benign (1). Last evaluated 2025-11-19.

Conditions:
Inborn genetic diseases. Identifiers: MedGen C0950123, MeSH D030342.
Congenital sideroblastic anemia-B-cell immunodeficiency-periodic fever-developmental delay syndrome. Also called: Sideroblastic anemia with B-cell immunodeficiency, periodic fevers, and developmental delay. Identifiers: Orphanet 369861, MedGen C4015172, MONDO:0014487, OMIM 616084.

Allele frequency attached by ClinVar (database versions not stated): ExAC 0.00009; TOPMed below 0.00001; gnomAD 0.00002; gnomAD exomes 0.00004 and 0.00008.
gnomAD v4.1: 56 of 1,613,660 alleles (0.0035%); highest among the groups gnomAD compares: South Asian, 0.059%; no homozygotes.

Submissions (2):

Ambry Genetics
Classification: Likely benign for Inborn genetic diseases. Last evaluated: 2025-11-19. Review status: criteria provided, single submitter. Criteria: Ambry Variant Classification Scheme 2023. Collection method: clinical testing. Allele origin: germline.

Labcorp Genetics (formerly Invitae), Labcorp
Classification: Uncertain significance for Congenital sideroblastic anemia-B-cell immunodeficiency-periodic fever-developmental delay syndrome. Last evaluated: 2024-06-12. Review status: criteria provided, single submitter. Criteria: Invitae Variant Classification Sherloc (09022015). Collection method: clinical testing. Allele origin: germline.
Comment: This sequence change replaces lysine, which is basic and polar, with glutamic acid, which is acidic and polar, at codon 328 of the TRNT1 protein (p.Lys328Glu). This variant is present in population databases (rs747469885, gnomAD 0.06%). This variant has not been reported in the literature in individuals affected with TRNT1-related conditions. ClinVar contains an entry for this variant (Variation ID: 1505287). Advanced modeling of protein sequence and biophysical properties (such as structural, functional, and spatial information, amino acid conservation, physicochemical variation, residue mobility, and thermodynamic stability) performed at Invitae indicates that this missense variant is not expected to disrupt TRNT1 protein function with a negative predictive value of 80%. In summary, the available evidence is currently insufficient to determine the role of this variant in disease. Therefore, it has been classified as a Variant of Uncertain Significance.